The following is an entry in ClinVar:

NM_000492.4(CFTR):c.1612A>C (p.Asn538His)

Genes: CFTR (CF transmembrane conductance regulator; plus strand), LOC111674475 (CFTR intron 11 enhancer; plus strand). Cytogenetic location: 7q31.2.
Variant type: single nucleotide variant.
Coding change: c.1612A>C on transcript NM_000492.4 (MANE Select); coding-DNA position 1612, A replaced by C.
Protein change: p.Asn538His; replaces asparagine 538 with histidine.
Molecular consequence: missense variant.
Genome position (GRCh38, 1-based): chr7:117,587,766, A>C. VCF-style: chr7-117587766-A-C. GRCh37 (hg19) VCF-style: chr7-117227820-A-C.
Other names: short protein forms N538H.
Identifiers: ClinVar variation 2562516 (VCV002562516.3), dbSNP rs1338761294, ClinGen allele CA368975941.

ClinVar aggregate classification (germline): Uncertain significance (1 of 4 stars; one submission).

Conditions:
Cystic fibrosis (CF). Also called: MUCOVISCIDOSIS. Identifiers: Orphanet 586, MedGen C0010674, MONDO:0009061, OMIM 219700. Disease mechanism: loss of function.

Allele frequency attached by ClinVar (database versions not stated): TOPMed below 0.00001; gnomAD 0.00001.
gnomAD v4.1: 2 of 1,611,288 alleles (0.00012%); highest among the groups gnomAD compares: African/African-American, 0.0027%; no homozygotes.

Submission:

Ambry Genetics
Classification: Uncertain significance for Cystic fibrosis. Last evaluated: 2025-08-09. Review status: criteria provided, single submitter. Criteria: Ambry Variant Classification Scheme 2023. Collection method: clinical testing. Allele origin: germline.
Comment: The p.N538H variant (also known as c.1612A>C), located in coding exon 12 of the CFTR gene, results from an A to C substitution at nucleotide position 1612. The asparagine at codon 538 is replaced by histidine, an amino acid with similar properties. This amino acid position is conserved. In addition, the in silico prediction for this alteration is inconclusive. Since supporting evidence is limited at this time, the clinical significance of this alteration remains unclear.